The following is an entry in ClinVar:

NM_002180.3(IGHMBP2):c.1757-149C>T

Gene: IGHMBP2 (immunoglobulin mu DNA binding protein 2; plus strand). Cytogenetic location: 11q13.3.
Variant type: single nucleotide variant.
Coding change: c.1757-149C>T on transcript NM_002180.3 (MANE Select); 149 bases into the intron before coding-DNA position 1757, C replaced by T.
Molecular consequence: intron variant.
Genome position (GRCh38, 1-based): chr11:68,936,088, C>T. VCF-style: chr11-68936088-C-T. GRCh37 (hg19) VCF-style: chr11-68703556-C-T.
Identifiers: ClinVar variation 672494 (VCV000672494.2), dbSNP rs58975356, ClinGen allele CA223412706.

ClinVar aggregate classification (germline): Likely benign. Review status: criteria provided, multiple submitters, no conflicts (2 of 4 stars). 2 submissions from 2 submitters: Likely benign (2). Last evaluated 2018-06-16.

Allele frequency attached by ClinVar (database versions not stated): 1000 Genomes Project 0.01258; 1000 Genomes Project 30x 0.01296; gnomAD 0.01447 and 0.01504; TOPMed 0.01499.
gnomAD v4.1: 13,843 of 841,650 alleles (1.6%); highest among the groups gnomAD compares: South Asian, 3.6%; 172 homozygotes.

Submissions (2):

GeneDx
Classification: Likely benign. Last evaluated: 2018-06-16. Review status: criteria provided, single submitter. Criteria: GeneDx Variant Classification (06012015). Collection method: clinical testing. Allele origin: germline. Affected: yes.
Comment: This variant is considered likely benign or benign based on one or more of the following criteria: it is a conservative change, it occurs at a poorly conserved position in the protein, it is predicted to be benign by multiple in silico algorithms, and/or has population frequency not consistent with disease.

Breakthrough Genomics
Classification: Likely benign. Review status: criteria provided, single submitter. Criteria: ACMG Guidelines, 2015. Collection method: not provided. Allele origin: germline. Inheritance: Autosomal recessive inheritance. Affected: yes.